The following is an entry in ClinVar:

NM_001323289.2(CDKL5):c.1147_1151del (p.Thr383fs)

Gene: CDKL5 (cyclin dependent kinase like 5; plus strand). Cytogenetic location: Xp22.13.
Variant type: Deletion.
Coding change: c.1147_1151del on transcript NM_001323289.2 (MANE Select); coding-DNA positions 1147 to 1151, 5 bases deleted (ACCTA; older notation c.1147_1151delACCTA).
Protein change: p.Thr383fs; shifts the reading frame from threonine 383.
Molecular consequence: frameshift variant.
Genome position (GRCh38, 1-based): chrX:18,604,071-18,604,075, ACCTA deleted; deleting any 5 consecutive bases within chrX:18,604,070-18,604,075 gives the same sequence; the c. name uses the placement nearest the transcript's 3' end. VCF-style (leftmost placement, unchanged base first): chrX-18604069-AAACCT-A. GRCh37 (hg19) VCF-style: chrX-18622189-AAACCT-A.
Other names: c.1147_1151del, p.Thr383fs (NM_001037343.2, NM_003159.3); short protein forms T383fs.
Identifiers: ClinVar variation 625912 (VCV000625912.2), dbSNP rs1569219331, ClinGen allele CA913190338.
Genomic context (GRCh38, chrX:18,604,069, plus strand): 5'-CCAATGAAAGCTTCCTAAATGGAAACCTTGCTGGAGCTAGTCTTAGTCCACTGCACACCA[AAACCT>A]ACCAAGCAAGCAGCCAGCCTGGGTCTACCAGCAAAGATCTCACCAACAACAACATACCAC-3'

ClinVar aggregate classification (germline): Likely pathogenic (1 of 4 stars; one submission).

Conditions:
Developmental and epileptic encephalopathy, 2 (DEE2). Also called: INFANTILE SPASM SYNDROME, X-LINKED 2; CDKL5 deficiency disorder. Identifiers: Orphanet 1934, Orphanet 3451, Orphanet 505652, MedGen C4750718, MONDO:0010396, OMIM 300672.

Submission:

Center for Genomics, Ann and Robert H. Lurie Children's Hospital of Chicago
Classification: Likely pathogenic for Developmental and epileptic encephalopathy, 2. Last evaluated: 2021-11-11. Review status: criteria provided, single submitter. Criteria: ACMG Guidelines, 2015. Collection method: clinical testing. Allele origin: germline.
Comment: CDKL5 NM_003159 exon 12 p.Thr383Profs (c.1147_1151del): This variant has not been reported in the literature and is not present in large control databases. Evolutionary conservation and computational predictive tools for this variant are limited or unavailable. This variant is a deletion of 5 nucleotides and creates a premature stop codon 23 amino acids downstream from this location which results in an absent or abnormal protein. Loss of function (LOF) variants have been reported in association with disease for this gene. In summary, data on this variant is highly suspicious for disease, but requires further evidence for pathogenicity. Therefore, this variant classified as Likely Pathogenic .